The following is an entry in ClinVar:

NM_000169.3(GLA):c.1021dup (p.Glu341fs)

Genes: GLA (galactosidase alpha; minus strand), RPL36A-HNRNPH2 (RPL36A-HNRNPH2 readthrough; plus strand). Cytogenetic location: Xq22.1.
Variant type: Duplication.
Coding change: c.1021dup on transcript NM_000169.3 (MANE Select); coding-DNA position 1021, one base duplicated (G; older notation c.1021dupG).
Protein change: p.Glu341fs; shifts the reading frame from glutamic acid 341.
Molecular consequence: frameshift variant. On other transcripts: non-coding transcript variant (3), intron variant (2).
Genome position (GRCh38, 1-based): chrX:101,398,078, C duplicated on the plus strand (G on the coding strand, the reverse complement: GLA is on the minus strand); the first of 3 consecutive C bases (chrX:101,398,078-101,398,080); duplicating any one gives the same sequence. VCF-style (leftmost placement, unchanged base first): chrX-101398077-T-TC. GRCh37 (hg19) VCF-style: chrX-100653065-T-TC.
Other names: c.1144dup, p.Glu382fs (NM_001406747.1); c.300+2623dup (NM_001199973.2); c.177+6258dup (NM_001199974.2); short protein forms E341fs, E382fs.
Identifiers: ClinVar variation 4087040 (VCV004087040.2), dbSNP rs869312213.

ClinVar aggregate classification (germline): Pathogenic (1 of 4 stars; one submission).

Conditions:
Fabry disease. Also called: ALPHA-GALACTOSIDASE A DEFICIENCY; ANDERSON-FABRY DISEASE; CERAMIDE TRIHEXOSIDASE DEFICIENCY; GLA DEFICIENCY; HEREDITARY DYSTOPIC LIPIDOSIS; Angiokeratoma corporis diffusum. Identifiers: Orphanet 324, MedGen C0002986, MONDO:0010526, OMIM 301500, HP:0001071. Disease mechanism: Fabry disease is due to inactivating mutations in the X-linked GLA gene resulting in deficiency of the enzyme Alpha Galactosidase-A., loss of function.

Submission:

Genomenon, Inc
Classification: Pathogenic for Fabry disease. Last evaluated: 2026-09-08. Review status: criteria provided, single submitter. Criteria: Genomenon Sequence Variant Interpretation Standards - Updated. Collection method: curation. Allele origin: germline. Affected: yes.
Comment: GLA p.Glu341GlyfsTer34 (c.1021dup) is a frameshift variant that is predicted to introduce a premature termination codon and result in a truncated or absent protein product. This variant has been observed in at least one proband with clinical features consistent with Fabry disease (PMID:30085001;27825144). At least one functional study has demonstrated a substantial alteration in protein function relative to the wild-type (PMID:18205205). It is absent or not present at a significant frequency in gnomAD. In conclusion, we classify GLA p.Glu341GlyfsTer34 (c.1021dup) as a pathogenic variant.

Literature cited by the submitters: PubMed 30085001; PubMed 27825144; PubMed 18205205.